The following is an entry in ClinVar:

ClinVar aggregate classification (germline): Uncertain significance (1 of 4 stars; one submission).

gnomAD v4.1: 1 of 1,606,560 alleles (0.000062%); highest among the groups gnomAD compares: South Asian, 0.0011%; no homozygotes.

Submission:

GeneDx
Classification: Uncertain significance. Last evaluated: 2024-10-31. Review status: criteria provided, single submitter. Criteria: GeneDx Variant Classification Process June 2021. Collection method: clinical testing. Allele origin: germline. Affected: yes.
Comment: Not observed at significant frequency in large population cohorts (gnomAD); In silico analysis supports that this missense variant has a deleterious effect on protein structure/function; Has not been previously published as pathogenic or benign to our knowledge

NM_016239.4(MYO15A):c.6839A>C (p.His2280Pro)

Gene: MYO15A (myosin XVA; plus strand). Cytogenetic location: 17p11.2.
Variant type: single nucleotide variant.
Coding change: c.6839A>C on transcript NM_016239.4 (MANE Select); coding-DNA position 6839, A replaced by C.
Protein change: p.His2280Pro; replaces histidine 2280 with proline.
Molecular consequence: missense variant.
Genome position (GRCh38, 1-based): chr17:18,148,835, A>C. VCF-style: chr17-18148835-A-C. GRCh37 (hg19) VCF-style: chr17-18052149-A-C.
Other names: short protein forms H2280P.
Identifiers: ClinVar variation 3897372 (VCV003897372.1).